The following is an entry in ClinVar:

NM_005236.3(ERCC4):c.2579C>A (p.Ala860Asp)

Gene: ERCC4 (ERCC excision repair 4, endonuclease catalytic subunit; plus strand). Cytogenetic location: 16p13.12.
Variant type: single nucleotide variant.
Coding change: c.2579C>A on transcript NM_005236.3 (MANE Select); coding-DNA position 2579, C replaced by A.
Protein change: p.Ala860Asp; replaces alanine 860 with aspartic acid.
Molecular consequence: missense variant.
Genome position (GRCh38, 1-based): chr16:13,948,175, C>A. VCF-style: chr16-13948175-C-A. GRCh37 (hg19) VCF-style: chr16-14042032-C-A.
Other names: short protein forms A860D.
Identifiers: ClinVar variation 134138 (VCV000134138.25), dbSNP rs4986933, ClinGen allele CA158876.

ClinVar aggregate classification (germline): Conflicting classifications of pathogenicity. Review status: criteria provided, conflicting classifications (1 of 4 stars). 12 submissions from 12 submitters: Uncertain significance (2); Benign (1); Likely benign (7). 2 of the submissions do not count toward it. Last evaluated 2026-01-31.

Conditions:
Inborn genetic diseases. Identifiers: MedGen C0950123, MeSH D030342.
Fanconi anemia complementation group Q. Identifiers: Orphanet 84, MedGen C3808988, MONDO:0014108, OMIM 615272.
Xeroderma pigmentosum, group F (XPF). Also called: XERODERMA PIGMENTOSUM VI; XP, GROUP F; XERODERMA PIGMENTOSUM, TYPE F; Xeroderma pigmentosum, type 6; XERODERMA PIGMENTOSUM, COMPLEMENTATION GROUP F; ERCC4-Related Xeroderma Pigmentosum. Identifiers: MedGen C0268140, MONDO:0010215, OMIM 278760.
Cockayne syndrome. Identifiers: Orphanet 191, MedGen C0009207, MONDO:0016006.
Hereditary cancer-predisposing syndrome. Also called: Tumor predisposition; Hereditary neoplastic syndrome; Neoplastic Syndromes, Hereditary; Hereditary Cancer Syndrome. Identifiers: Orphanet 140162, MedGen C0027672, MeSH D009386, MONDO:0015356.
Xeroderma pigmentosum (XP). Identifiers: Orphanet 910, MedGen C0043346, MONDO:0019600.
Hutchinson-Gilford syndrome (HGPS). Also called: Hutchinson-Gilford Progeria Syndrome. Identifiers: Orphanet 740, MedGen C0033300, MONDO:0008310, OMIM 176670.

Allele frequency attached by ClinVar (database versions not stated): TOPMed 0.00282; ESP Exome Variant Server 0.00292; gnomAD exomes 0.00069; ExAC 0.00081; gnomAD 0.00232 and 0.00253; 1000 Genomes Project 0.00240; 1000 Genomes Project 30x 0.00265.
gnomAD v4.1: 767 of 1,614,134 alleles (0.048%); highest among the groups gnomAD compares: African/African-American, 0.85%; 1 homozygote.

Submissions (12):

Labcorp Genetics (formerly Invitae), Labcorp
Classification: Likely benign for Fanconi anemia complementation group Q; Xeroderma pigmentosum, group F; Cockayne syndrome. Last evaluated: 2026-01-31. Review status: criteria provided, single submitter. Criteria: Invitae Variant Classification Sherloc (09022015). Collection method: clinical testing. Allele origin: germline.

Molecular Diagnostics Laboratory, Catalan Institute of Oncology
Classification: Benign for Hereditary cancer-predisposing syndrome. Last evaluated: 2024-11-10. Review status: criteria provided, single submitter. Criteria: ACMG Guidelines, 2015. Collection method: clinical testing. Allele origin: germline.
Comment: BA1, BP4 c.2579C>A, located in exon 11 of the ERCC4 gene, is predicted to result in the substitution of Alanine by Aspartic acid at codon 860, p.(Ala860Asp). The variant allele was found in 183/23610 alleles, with a filtering allele frequency of 0.7% at 95% confidence, within the African population in the gnomAD v2.1.1 database (non-cancer data set) (BA1). The SpliceAI algorithm predicts no significant impact on splicing. The REVEL meta-predictor score for this variant (0.218) suggests that it does not affect the protein function according Pejaver 2022 thresholds (PMID: 36413997) (BP4). To our knowledge, neither clinical data nor functional studies have been reported for this variant. It has been reported in ClinVar (2x uncertain significance, 6x likely benign). Based on currently available information, c.2579C>A is classified as a benign variant according to ACMG guidelines.

Blueprint Genetics
Classification: Uncertain significance. Last evaluated: 2024-09-11. Review status: criteria provided, single submitter. Criteria: ACMG Guidelines, 2015. Collection method: clinical testing. Allele origin: germline.

KCCC/NGS Laboratory, Kuwait Cancer Control Center
Classification: Likely benign for Xeroderma pigmentosum, group F. Last evaluated: 2023-07-07. Review status: criteria provided, single submitter. Criteria: ACMG Guidelines, 2015. Collection method: clinical testing. Allele origin: germline. Affected: yes.

Sema4
Classification: Uncertain significance for Xeroderma pigmentosum. Last evaluated: 2021-11-30. Review status: criteria provided, single submitter. Criteria: Sema4 Curation Guidelines. Collection method: curation. Allele origin: germline.
Comment: To the best of our knowledge, the ERCC4 c.2579C>A (p.A860D) variant has not been reported in individuals with ERCC4-related disease. This variant was observed in 192/24962 chromosomes in the African/ African American subpopulation, with no homozygotes, in the large and broad cohorts of the Genome Aggregation Database (PMID: 32461654). The variant has been reported in ClinVar (Variation ID: 134138). Functional studies have not been performed, and in silico predictions of the variant's effect on protein function are inconclusive. Based on the current evidence available, this variant is interpreted as a variant of uncertain significance.

Ambry Genetics
Classification: Likely benign for Inborn genetic diseases. Last evaluated: 2021-08-23. Review status: criteria provided, single submitter. Criteria: Ambry Variant Classification Scheme 2023. Collection method: clinical testing. Allele origin: germline.

Genetic Services Laboratory, University of Chicago
Classification: Likely benign. Last evaluated: 2020-12-17. Review status: criteria provided, single submitter. Criteria: ACMG Guidelines, 2015. Collection method: clinical testing. Allele origin: germline. Affected: no.

Mendelics
Classification: Likely benign for Xeroderma pigmentosum, group F. Last evaluated: 2019-05-28. Review status: criteria provided, single submitter. Criteria: Mendelics Assertion Criteria 2017. Collection method: clinical testing. Allele origin: unknown.

Illumina Laboratory Services, Illumina
Classification: Likely benign for Xeroderma pigmentosum, group F. Last evaluated: 2018-01-12. Review status: criteria provided, single submitter. Criteria: ICSL Variant Classification Criteria 13 December 2019. Collection method: clinical testing. Allele origin: germline.
Comment: This variant was observed in the ICSL laboratory as part of a predisposition screen in an ostensibly healthy population. It had not been previously curated by ICSL or reported in the Human Gene Mutation Database (HGMD: prior to June 1st, 2018), and was therefore a candidate for classification through an automated scoring system. Utilizing variant allele frequency, disease prevalence and penetrance estimates, and inheritance mode, an automated score was calculated to assess if this variant is too frequent to cause the disease. Based on the score and internal cut-off values, a variant classified as likely benign is not then subjected to further curation. The score for this variant resulted in a classification of likely benign for this disease.

Breakthrough Genomics
Classification: Likely benign. Review status: criteria provided, single submitter. Criteria: ACMG Guidelines, 2015. Collection method: not provided. Allele origin: germline. Inheritance: Autosomal recessive inheritance. Affected: yes.

ITMI
No classification provided. Condition: AllHighlyPenetrant. Last evaluated: 2013-09-19. Review status: no classification provided. Collection method: reference population. Allele origin: germline. Not counted in ClinVar's aggregate classification.
Comment: Please see associated publication for description of ethnicities

University of Washington Center for Mendelian Genomics, University of Washington
Classification: Uncertain significance for Atypical Werner Syndrome. Review status: no assertion criteria provided. Collection method: research. Allele origin: unknown. Affected: yes. Not counted in ClinVar's aggregate classification.

Literature cited by the submitters: PubMed 24728327 (cited by ITMI); PubMed 29105242 (cited by University of Washington Center for Mendelian Genomics, University of Washington).